The following is an entry in ClinVar:

ClinVar aggregate classification (germline): Uncertain significance (1 of 4 stars; one submission).

gnomAD v4.1: 17 of 1,590,954 alleles (0.0011%); highest among the groups gnomAD compares: Non-Finnish European, 0.0013%; no homozygotes.

Submission:

Labcorp Genetics (formerly Invitae), Labcorp
Classification: Uncertain significance. Last evaluated: 2024-06-13. Review status: criteria provided, single submitter. Criteria: Invitae Variant Classification Sherloc (09022015). Collection method: clinical testing. Allele origin: germline.
Comment: This sequence change replaces arginine, which is basic and polar, with histidine, which is basic and polar, at codon 783 of the POLR1A protein (p.Arg783His). The frequency data for this variant in the population databases is considered unreliable, as metrics indicate poor data quality at this position in the gnomAD database. This variant has not been reported in the literature in individuals affected with POLR1A-related conditions. Advanced modeling of protein sequence and biophysical properties (such as structural, functional, and spatial information, amino acid conservation, physicochemical variation, residue mobility, and thermodynamic stability) performed at Invitae indicates that this missense variant is expected to disrupt POLR1A protein function with a positive predictive value of 80%. In summary, the available evidence is currently insufficient to determine the role of this variant in disease. Therefore, it has been classified as a Variant of Uncertain Significance.

NM_015425.6(POLR1A):c.2348G>A (p.Arg783His)

Gene: POLR1A (RNA polymerase I subunit A; minus strand). Cytogenetic location: 2p11.2.
Variant type: single nucleotide variant.
Coding change: c.2348G>A on transcript NM_015425.6 (MANE Select); coding-DNA position 2348, G replaced by A.
Protein change: p.Arg783His; replaces arginine 783 with histidine.
Molecular consequence: missense variant.
Genome position (GRCh38, 1-based): chr2:86,052,861, C>T on the plus strand (G>A on the coding strand, the complement: POLR1A is on the minus strand). VCF-style: chr2-86052861-C-T. GRCh37 (hg19) VCF-style: chr2-86279984-C-T.
Other names: short protein forms R783H.
Identifiers: ClinVar variation 3610856 (VCV003610856.2).